The following is an entry in ClinVar:

NM_000330.4(RS1):c.16G>T (p.Glu6Ter)

Gene: RS1 (retinoschisin 1; minus strand). Cytogenetic location: Xp22.13.
Variant type: single nucleotide variant.
Coding change: c.16G>T on transcript NM_000330.4 (MANE Select); coding-DNA position 16, G replaced by T.
Protein change: p.Glu6Ter; replaces glutamic acid 6 with a stop codon.
Molecular consequence: nonsense.
Genome position (GRCh38, 1-based): chrX:18,672,053, C>A on the plus strand (G>T on the coding strand, the complement: RS1 is on the minus strand). VCF-style: chrX-18672053-C-A. GRCh37 (hg19) VCF-style: chrX-18690173-C-A.
Other names: NM_000330.4:c.16G>T; short protein forms E6*.
Identifiers: ClinVar variation 4976891 (VCV004976891.1).

ClinVar aggregate classification (germline): Likely pathogenic (3 of 4 stars; one submission).

Conditions:
Juvenile retinoschisis (RS1). Also called: X-linked retinoschisis; X-Linked Juvenile Retinoschisis. Identifiers: Orphanet 792, MedGen C3714753, MONDO:0010725, OMIM 312700.

Submission:

ClinGen X-linked Inherited Retinal Disease Variant Curation Expert Panel, ClinGen
Classification: Likely pathogenic for Juvenile retinoschisis. Last evaluated: 2026-09-26. Review status: reviewed by expert panel. Criteria: ClinGen X LinkedIRD ACMG Specifications RS1 V1.0.0. Collection method: curation. Allele origin: germline. Inheritance: X-linked inheritance.
Comment: The NM_000330.4(RS1):c.16G>T (p.Glu6Ter) variant is a nonsense variant that introduces a premature stop codon in exon 1 of 6 and is predicted to trigger nonsense-mediated decay (PVS1). This variant is absent from hemizygous individuals in gnomAD v4.1.0 (PM2_Supporting). This variant has been reported in at least 1 proband meeting the PS4 requirement of a male diagnosed with X-linked retinoschisis (PMID: 23009889), however, PS4_Supporting requires at least 2 unrelated probands, so this criterion was not met. In summary, this variant is classified as likely pathogenic for X-linked retinoschisis based on the ClinGen X-linked Inherited Retinal Disease Expert Panel Specifications to the ACMG/AMP Variant Interpretation Guidelines for RS1 Version 1.0.0: PM2_Supporting and PVS1.